The following is an entry in ClinVar:

ClinVar aggregate classification (germline): Pathogenic. Review status: criteria provided, multiple submitters, no conflicts (2 of 4 stars). 4 submissions from 4 submitters: Pathogenic (4). Last evaluated 2024-03-29.

Conditions:
Marfan syndrome (MFS). Also called: FBN1-Related Marfan Syndrome; Marfan syndrome, classic; MARFAN SYNDROME, TYPE I; Marfan syndrome type 1; Marfan's syndrome. Identifiers: Orphanet 284963, Orphanet 558, MedGen C0024796, MONDO:0007947, OMIM 154700.
Familial thoracic aortic aneurysm and aortic dissection (TAAD). Also called: Thoracic aortic aneurysms and dissections. Identifiers: Orphanet 91387, MedGen C4707243, MONDO:0019625.
Marfan Syndrome/Loeys-Dietz Syndrome/Familial Thoracic Aortic Aneurysms and Dissections. Identifiers: MedGen CN229799.

Submissions (4):

Labcorp Genetics (formerly Invitae), Labcorp
Classification: Pathogenic for Marfan syndrome; Familial thoracic aortic aneurysm and aortic dissection. Last evaluated: 2024-03-29. Review status: criteria provided, single submitter. Criteria: Invitae Variant Classification Sherloc (09022015). Collection method: clinical testing. Allele origin: germline.
Comment: This sequence change creates a premature translational stop signal (p.Tyr320Leufs*28) in the FBN1 gene. It is expected to result in an absent or disrupted protein product. Loss-of-function variants in FBN1 are known to be pathogenic (PMID: 17657824, 19293843). This variant is not present in population databases (gnomAD no frequency). This premature translational stop signal has been observed in individual(s) with Marfan syndrome (PMID: 27906200). ClinVar contains an entry for this variant (Variation ID: 42448). For these reasons, this variant has been classified as Pathogenic.

Women's Health and Genetics/Laboratory Corporation of America, LabCorp
Classification: Pathogenic for Marfan Syndrome/Loeys-Dietz Syndrome/Familial Thoracic Aortic Aneurysms and Dissections. Last evaluated: 2024-02-29. Review status: criteria provided, single submitter. Criteria: LabCorp Variant Classification Summary - May 2015. Collection method: clinical testing. Allele origin: germline.
Comment: Variant summary: FBN1 c.958dupT (p.Tyr320LeufsX28) results in a premature termination codon, predicted to cause a truncation of the encoded protein or absence of the protein due to nonsense mediated decay, which are commonly known mechanisms for disease. The variant was absent in 251444 control chromosomes. c.958dupT has been reported in the literature in association with Marfan Syndrome (Groth_2017). To our knowledge, no experimental evidence demonstrating an impact on protein function has been reported. The following publication have been ascertained in the context of this evaluation (PMID: 27906200). ClinVar contains an entry for this variant (Variation ID: 42448). Based on the evidence outlined above, the variant was classified as pathogenic.

Ambry Genetics
Classification: Pathogenic for Familial thoracic aortic aneurysm and aortic dissection. Last evaluated: 2020-12-02. Review status: criteria provided, single submitter. Criteria: Ambry Variant Classification Scheme 2023. Collection method: clinical testing. Allele origin: germline.
Comment: The c.958dupT pathogenic mutation, located in coding exon 8 of the FBN1 gene, results from a duplication of T at nucleotide position 958, causing a translational frameshift with a predicted alternate stop codon (p.Y320Lfs*28). This alteration is expected to result in loss of function by premature protein truncation or nonsense-mediated mRNA decay. As such, this alteration is interpreted as a disease-causing mutation.

Laboratory for Molecular Medicine, Mass General Brigham Personalized Medicine
Classification: Pathogenic for Marfan syndrome. Last evaluated: 2012-01-30. Review status: criteria provided, single submitter. Criteria: LMM Criteria. Collection method: clinical testing. Allele origin: germline. Observed: 1 variant allele.
Comment: The Tyr320fs variant has not been reported in the literature nor previously iden tified by our laboratory. This frameshift variant is predicted to alter the pro tein?s amino acid sequence beginning at position 320 and lead to a premature ter mination codon 28 amino acids downstream. This alteration is then predicted to l ead to a truncated or absent protein. Loss of function of the FBN1 gene is an es tablished disease mechanism in Marfan syndrome. Therefore, this variant meets ou r criteria to be classified as pathogenic.

Literature cited by the submitters: PubMed 17657824 (cited by Labcorp Genetics (formerly Invitae), Labcorp); PubMed 19293843 (cited by Labcorp Genetics (formerly Invitae), Labcorp); PubMed 27906200 (cited by 3 submitters).

NM_000138.5(FBN1):c.958dup (p.Tyr320fs)

Gene: FBN1 (fibrillin 1; minus strand). Cytogenetic location: 15q21.1.
Variant type: Duplication.
Coding change: c.958dup on transcript NM_000138.5 (MANE Select); coding-DNA position 958, one base duplicated (T; older notation c.958dupT).
Protein change: p.Tyr320fs; shifts the reading frame from tyrosine 320.
Molecular consequence: frameshift variant (on NM_000138.4).
Genome position (GRCh38, 1-based): chr15:48,526,160, A duplicated on the plus strand (T on the coding strand, the reverse complement: FBN1 is on the minus strand); the first of 5 consecutive A bases (chr15:48,526,160-48,526,164); duplicating any one gives the same sequence. VCF-style (leftmost placement, unchanged base first): chr15-48526159-T-TA. GRCh37 (hg19) VCF-style: chr15-48818356-T-TA.
Other names: NM_000138.4:c.958dupT; p.Tyr320LeufsX28; c.958_959insT (NM_000138.4); c.958dupT (NM_000138.5); short protein forms Y320fs.
Identifiers: ClinVar variation 42448 (VCV000042448.9), dbSNP rs397515867, ClinGen allele CA017854.